The following is an entry in ClinVar:

ClinVar aggregate classification (germline): Uncertain significance. Review status: criteria provided, multiple submitters, no conflicts (2 of 4 stars). 2 submissions from 2 submitters: Uncertain significance (2). Last evaluated 2024-10-15.

Conditions:
Inborn genetic diseases. Identifiers: MedGen C0950123, MeSH D030342.
Spastic paraplegia. Identifiers: MedGen C0037772, HP:0001258.

Allele frequency attached by ClinVar (database versions not stated): gnomAD 0.00001; gnomAD exomes 0.00001 and 0.00003; ExAC 0.00004; TOPMed 0.00004.
gnomAD v4.1: 15 of 1,599,208 alleles (0.00094%); highest among the groups gnomAD compares: Admixed American, 0.0033%; no homozygotes.

Submissions (2):

Labcorp Genetics (formerly Invitae), Labcorp
Classification: Uncertain significance for Spastic paraplegia. Last evaluated: 2024-10-15. Review status: criteria provided, single submitter. Criteria: Invitae Variant Classification Sherloc (09022015). Collection method: clinical testing. Allele origin: germline.
Comment: This sequence change replaces glutamic acid, which is acidic and polar, with lysine, which is basic and polar, at codon 395 of the AP4E1 protein (p.Glu395Lys). This variant is present in population databases (rs751577288, gnomAD 0.005%). This variant has not been reported in the literature in individuals affected with AP4E1-related conditions. ClinVar contains an entry for this variant (Variation ID: 1371690). An algorithm developed to predict the effect of missense changes on protein structure and function (PolyPhen-2) suggests that this variant is likely to be disruptive. In summary, the available evidence is currently insufficient to determine the role of this variant in disease. Therefore, it has been classified as a Variant of Uncertain Significance.

Ambry Genetics
Classification: Uncertain significance for Inborn genetic diseases. Last evaluated: 2024-07-09. Review status: criteria provided, single submitter. Criteria: Ambry Variant Classification Scheme 2023. Collection method: clinical testing. Allele origin: germline.

NM_007347.5(AP4E1):c.1183G>A (p.Glu395Lys)

Gene: AP4E1 (adaptor related protein complex 4 subunit epsilon 1; plus strand). Cytogenetic location: 15q21.2.
Variant type: single nucleotide variant.
Coding change: c.1183G>A on transcript NM_007347.5 (MANE Select); coding-DNA position 1183, G replaced by A.
Protein change: p.Glu395Lys; replaces glutamic acid 395 with lysine.
Molecular consequence: missense variant.
Genome position (GRCh38, 1-based): chr15:50,948,026, G>A. VCF-style: chr15-50948026-G-A. GRCh37 (hg19) VCF-style: chr15-51240223-G-A.
Other names: c.958G>A, p.Glu320Lys (NM_001252127.2); c.1183G>A (NM_007347.3); short protein forms E395K, E320K.
Identifiers: ClinVar variation 1371690 (VCV001371690.9), dbSNP rs751577288, ClinGen allele CA7559008.